The following is an entry in ClinVar:

NM_004172.5(SLC1A3):c.182-9_182-8dup

Gene: SLC1A3 (solute carrier family 1 member 3; plus strand). Cytogenetic location: 5p13.2.
Variant type: Duplication.
Coding change: c.182-9_182-8dup on transcript NM_004172.5 (MANE Select); 9 bases into the intron before coding-DNA position 182 through 8 bases into the intron before coding-DNA position 182, 2 bases duplicated (TT; older notation c.182-9_182-8dupTT).
Molecular consequence: intron variant.
Genome position (GRCh38, 1-based): chr5:36,629,441-36,629,442, TT duplicated; duplicating any 2 consecutive bases within chr5:36,629,428-36,629,442 gives the same sequence; the c. name uses the placement nearest the transcript's 3' end. VCF-style (leftmost placement, unchanged base first): chr5-36629427-C-CTT. GRCh37 (hg19) VCF-style: chr5-36629529-C-CTT.
Other names: c.182-9_182-8dup (NM_001166695.3, NM_001289940.2); c.181+20837_181+20838dup (NM_001289939.2).
Identifiers: ClinVar variation 3341676 (VCV003341676.16).

ClinVar aggregate classification (germline): Likely benign (1 of 4 stars; one submission).

Submission:

CeGaT Center for Human Genetics Tuebingen
Classification: Likely benign. Last evaluated: 2024-08-01. Review status: criteria provided, single submitter. Criteria: CeGaT Center For Human Genetics Tuebingen Variant Classification Criteria Version 2. Collection method: clinical testing. Allele origin: germline. Affected: yes. Observed: 1 variant allele.
Comment: SLC1A3: BP4, BS1